The following is an entry in ClinVar:

NM_021160.3(ABHD16A):c.1236G>A (p.Ala412=)

Gene: ABHD16A (abhydrolase domain containing 16A, phospholipase; minus strand). Cytogenetic location: 6p21.33.
Variant type: single nucleotide variant.
Coding change: c.1236G>A on transcript NM_021160.3 (MANE Select); coding-DNA position 1236, G replaced by A.
Protein change: p.Ala412=; no amino-acid change (alanine 412 retained).
Molecular consequence: synonymous variant. On other transcripts: non-coding transcript variant (2).
Genome position (GRCh38, 1-based): chr6:31,688,737, C>T on the plus strand (G>A on the coding strand, the complement: ABHD16A is on the minus strand). VCF-style: chr6-31688737-C-T. GRCh37 (hg19) VCF-style: chr6-31656514-C-T.
Other names: c.1137G>A, p.Ala379= (NM_001177515.2).
Identifiers: ClinVar variation 2571246 (VCV002571246.27), dbSNP rs75509151, ClinGen allele CA3719211.

ClinVar aggregate classification (germline): Benign (1 of 4 stars; one submission).

Allele frequency attached by ClinVar (database versions not stated): ESP Exome Variant Server 0.00462; TOPMed 0.00701; gnomAD 0.00705; 1000 Genomes Project 0.00759; 1000 Genomes Project 30x 0.00765; ExAC 0.00821.
gnomAD v4.1: 17,376 of 1,612,990 alleles (1.1%); highest among the groups gnomAD compares: East Asian, 3.5%; 135 homozygotes.

Submission:

CeGaT Center for Human Genetics Tuebingen
Classification: Benign. Last evaluated: 2024-07-01. Review status: criteria provided, single submitter. Criteria: CeGaT Center For Human Genetics Tuebingen Variant Classification Criteria Version 2. Collection method: clinical testing. Allele origin: germline. Affected: yes. Observed: 8 variant alleles.
Comment: ABHD16A: BP4, BP7, BS1, BS2